The following is an entry in ClinVar:

NM_001999.4(FBN2):c.6638-2A>C

Gene: FBN2 (fibrillin 2; minus strand). Cytogenetic location: 5q23.3.
Variant type: single nucleotide variant.
Coding change: c.6638-2A>C on transcript NM_001999.4 (MANE Select); the canonical splice acceptor site of the intron before coding-DNA position 6638, A replaced by C.
Molecular consequence: splice acceptor variant.
Genome position (GRCh38, 1-based): chr5:128,288,559, T>G on the plus strand (A>C on the coding strand, the complement: FBN2 is on the minus strand). VCF-style: chr5-128288559-T-G. GRCh37 (hg19) VCF-style: chr5-127624251-T-G.
Identifiers: ClinVar variation 264587 (VCV000264587.7), dbSNP rs886039200, ClinGen allele CA10587601.
Genomic context (GRCh38, chr5:128,288,559, plus strand): 5'-AATAACATTGGTGCATGTACCATTTCCACACGGATTGCCGATTGAACACTCATCAGTATC[T>G]GAAAAAGAAGAATAAGAAACTGCCACAAAGATGTTTTAGTTTAACAGGAGAATGCCCAGG-3'

ClinVar aggregate classification (germline): Conflicting classifications of pathogenicity. Review status: criteria provided, conflicting classifications (1 of 4 stars). 2 submissions from 2 submitters: Likely pathogenic (1); Uncertain significance (1). Last evaluated 2025-01-06.

Conditions:
Familial thoracic aortic aneurysm and aortic dissection (TAAD). Also called: Thoracic aortic aneurysms and dissections. Identifiers: Orphanet 91387, MedGen C4707243, MONDO:0019625.
Congenital contractural arachnodactyly (CCA). Also called: BEALS SYNDROME; Beals-Hecht syndrome; Arthrogryposis, distal, type 9. Identifiers: Orphanet 115, MedGen C0220668, MONDO:0007363, OMIM 121050.

Allele frequency attached by ClinVar (database versions not stated): gnomAD exomes below 0.00001; TOPMed below 0.00001.
gnomAD v4.1: 1 of 1,613,330 alleles (0.000062%); no homozygotes.

Submissions (2):

Labcorp Genetics (formerly Invitae), Labcorp
Classification: Uncertain significance for Congenital contractural arachnodactyly. Last evaluated: 2025-01-06. Review status: criteria provided, single submitter. Criteria: Invitae Variant Classification Sherloc (09022015). Collection method: clinical testing. Allele origin: germline.
Comment: This sequence change affects an acceptor splice site in intron 52 of the FBN2 gene. It is expected to disrupt RNA splicing. Variants that disrupt the donor or acceptor splice site typically lead to a loss of protein function (PMID: 16199547), however the current clinical and genetic evidence is not sufficient to establish whether loss-of-function variants in FBN2 cause disease. This variant is not present in population databases (gnomAD no frequency). This variant has not been reported in the literature in individuals affected with FBN2-related conditions. ClinVar contains an entry for this variant (Variation ID: 264587). Algorithms developed to predict the effect of sequence changes on RNA splicing suggest that this variant may disrupt the consensus splice site. In summary, the available evidence is currently insufficient to determine the role of this variant in disease. Therefore, it has been classified as a Variant of Uncertain Significance.

Ambry Genetics
Classification: Likely pathogenic for Familial thoracic aortic aneurysm and aortic dissection. Last evaluated: 2015-12-21. Review status: criteria provided, single submitter. Criteria: Ambry Variant Classification Scheme 2023. Collection method: clinical testing. Allele origin: germline.
Comment: The c.6638-2A>C intronic variant results from an A to C substitution two nucleotides upstream from coding exon 53 in the FBN2 gene. This variant was not reported in population based cohorts in the following databases: Database of Single Nucleotide Polymorphisms (dbSNP), NHLBI Exome Sequencing Project (ESP), and 1000 Genomes Project. In the ESP, this variant was not observed in 6503 samples (13006 alleles) with coverage at this position. This nucleotide position is highly conserved in available vertebrate species. Using the BDGP and ESEfinder splice site prediction tools, this alteration is predicted to abolish the native splice acceptor site; however, direct evidence is unavailable. Alterations that disrupt the canonical splice acceptor site are typically deleterious in nature (ACMG Recommendations for Standards for Interpretation and Reporting of Sequence Variations. Revision 2007. Genet Med. 2008;10:294). As such, the c.6638-2A>C variant is classified as likely pathogenic.

Literature cited by the submitters: PubMed 16199547 (cited by Labcorp Genetics (formerly Invitae), Labcorp).